The following is an entry in ClinVar:

NM_001042492.3(NF1):c.7812_7815del (p.Leu2605fs)

Gene: NF1 (neurofibromin 1; plus strand). Cytogenetic location: 17q11.2.
Variant type: Deletion.
Coding change: c.7812_7815del on transcript NM_001042492.3 (MANE Select); coding-DNA positions 7812 to 7815, 4 bases deleted (CTTG; older notation c.7812_7815delCTTG).
Protein change: p.Leu2605fs; shifts the reading frame from leucine 2605.
Molecular consequence: frameshift variant.
Genome position (GRCh38, 1-based): chr17:31,357,033-31,357,036, CTTG deleted. VCF-style (leftmost placement, unchanged base first): chr17-31357032-TCTTG-T. GRCh37 (hg19) VCF-style: chr17-29684050-TCTTG-T.
Other names: c.7749_7752del, p.Leu2584fs (NM_000267.4); short protein forms L2584fs, L2605fs.
Identifiers: ClinVar variation 4713582 (VCV004713582.1).
Genomic context (GRCh38, chr17:31,357,032, plus strand): 5'-TTTCCTCATCACAACAGCACCCACATTTACGTAAAGTTTCAGTGTCTGAATCAAATGTTC[TCTTG>T]GATGAAGAAGTACTTACTGATCCGAAGATCCAGGCGCTGCTTCTTACTGTTCTAGTAAGG-3'

ClinVar aggregate classification (germline): Pathogenic (1 of 4 stars; one submission).

Conditions:
Neurofibromatosis, type 1 (NF1). Also called: VON RECKLINGHAUSEN DISEASE; Peripheral type neurofibromatosis; NEUROFIBROMATOSIS, TYPE I, SOMATIC; Neurofibromatosis, type I. Identifiers: Orphanet 636, MedGen C0027831, MONDO:0018975, OMIM 162200. Disease mechanism: loss of function.

Submission:

Labcorp Genetics (formerly Invitae), Labcorp
Classification: Pathogenic for Neurofibromatosis, type 1. Last evaluated: 2025-02-20. Review status: criteria provided, single submitter. Criteria: Invitae Variant Classification Sherloc (09022015). Collection method: clinical testing. Allele origin: germline.
Comment: This sequence change creates a premature translational stop signal (p.Leu2584Metfs*18) in the NF1 gene. It is expected to result in an absent or disrupted protein product. Loss-of-function variants in NF1 are known to be pathogenic (PMID: 10712197, 23913538). This variant is not present in population databases (gnomAD no frequency). This variant has not been reported in the literature in individuals affected with NF1-related conditions. Algorithms developed to predict the effect of sequence changes on RNA splicing suggest that this variant may disrupt the consensus splice site. For these reasons, this variant has been classified as Pathogenic.

Literature cited by the submitters: PubMed 10712197; PubMed 23913538.